The following is an entry in ClinVar:

ClinVar aggregate classification (germline): Uncertain significance (1 of 4 stars; one submission).

Conditions:
Hereditary cancer-predisposing syndrome. Also called: Neoplastic Syndromes, Hereditary; Tumor predisposition; Hereditary neoplastic syndrome; Hereditary Cancer Syndrome. Identifiers: Orphanet 140162, MedGen C0027672, MeSH D009386, MONDO:0015356.

gnomAD v4.1: 2 of 1,609,732 alleles (0.00012%); highest among the groups gnomAD compares: Non-Finnish European, 0.00017%; no homozygotes.

Submission:

Ambry Genetics
Classification: Uncertain significance for Hereditary cancer-predisposing syndrome. Last evaluated: 2023-12-29. Review status: criteria provided, single submitter. Criteria: Ambry Variant Classification Scheme 2023. Collection method: clinical testing. Allele origin: germline.
Comment: The p.R21L variant (also known as c.62G>T), located in coding exon 1 of the MEN1 gene, results from a G to T substitution at nucleotide position 62. The arginine at codon 21 is replaced by leucine, an amino acid with dissimilar properties. This amino acid position is conserved. In addition, the in silico prediction for this alteration is inconclusive. Since supporting evidence is limited at this time, the clinical significance of this alteration remains unclear.

NM_001370259.2(MEN1):c.62G>T (p.Arg21Leu)

Gene: MEN1 (menin 1; minus strand). Cytogenetic location: 11q13.1.
Variant type: single nucleotide variant.
Coding change: c.62G>T on transcript NM_001370259.2 (MANE Select); coding-DNA position 62, G replaced by T.
Protein change: p.Arg21Leu; replaces arginine 21 with leucine.
Molecular consequence: missense variant. On other transcripts: non-coding transcript variant (4).
Genome position (GRCh38, 1-based): chr11:64,810,048, C>A on the plus strand (G>T on the coding strand, the complement: MEN1 is on the minus strand). VCF-style: chr11-64810048-C-A. GRCh37 (hg19) VCF-style: chr11-64577520-C-A.
Other names: c.62G>T, p.Arg21Leu (NM_000244.4, NM_001370251.2, NM_001370260.2 and 20 more transcripts); short protein forms R21L.
Identifiers: ClinVar variation 3229105 (VCV003229105.1), dbSNP rs760629445, ClinGen allele CA381188109.